The following is an entry in ClinVar:

ClinVar aggregate classification (germline): Uncertain significance (1 of 4 stars; one submission).

Conditions:
CHARGE syndrome (CHARGE). Also called: Hittner Hirsch Kreh syndrome; CHARGE ASSOCIATION--COLOBOMA, HEART ANOMALY, CHOANAL ATRESIA, RETARDATION, GENITAL AND EAR ANOMALIES; Coloboma, heart anomaly, choanal atresia, retardation, genital and ear anomalies; CHARGE association; Hall-Hittner syndrome. Identifiers: Orphanet 138, MedGen C0265354, MONDO:0008965.

Submission:

Labcorp Genetics (formerly Invitae), Labcorp
Classification: Uncertain significance for CHARGE syndrome. Last evaluated: 2020-09-25. Review status: criteria provided, single submitter. Criteria: Invitae Variant Classification Sherloc (09022015). Collection method: clinical testing. Allele origin: germline.
Comment: This sequence change replaces proline with arginine at codon 1705 of the CHD7 protein (p.Pro1705Arg). The proline residue is highly conserved and there is a moderate physicochemical difference between proline and arginine. This variant is not present in population databases (ExAC no frequency). This variant has not been reported in the literature in individuals with CHD7-related conditions. Advanced modeling of protein sequence and biophysical properties (such as structural, functional, and spatial information, amino acid conservation, physicochemical variation, residue mobility, and thermodynamic stability) performed at Invitae indicates that this missense variant is not expected to disrupt CHD7 protein function. In summary, the available evidence is currently insufficient to determine the role of this variant in disease. Therefore, it has been classified as a Variant of Uncertain Significance.

NM_017780.4(CHD7):c.5114C>G (p.Pro1705Arg)

Gene: CHD7 (chromodomain helicase DNA binding protein 7; plus strand). Cytogenetic location: 8q12.2.
Variant type: single nucleotide variant.
Coding change: c.5114C>G on transcript NM_017780.4 (MANE Select); coding-DNA position 5114, C replaced by G.
Protein change: p.Pro1705Arg; replaces proline 1705 with arginine.
Molecular consequence: missense variant. On other transcripts: intron variant (1).
Genome position (GRCh38, 1-based): chr8:60,845,313, C>G. VCF-style: chr8-60845313-C-G. GRCh37 (hg19) VCF-style: chr8-61757872-C-G.
Other names: c.1717-16916C>G (NM_001316690.1); short protein forms P1705R.
Identifiers: ClinVar variation 1061507 (VCV001061507.9), dbSNP rs373986410, ClinGen allele CA371320435.
Genomic context (GRCh38, chr8:60,845,313, plus strand): 5'-TGTCAGCTCCTGTGCCAAGGGGAAGGAAGGGAAAGAAGGTGAAAGCCCAGAGCACACAGC[C>G]GGTGGTGCAGGATGCCGACTGGCTGGCCAGCTGCAACCCAGATGCCCTGTTCCAGGAGGA-3'
Protein context (NP_060250.2, residues 1695-1715): GKKVKAQSTQ[Pro1705Arg]VVQDADWLAS